The following is an entry in ClinVar:

NM_020937.4(FANCM):c.5291C>T (p.Thr1764Ile)

Gene: FANCM (FA complementation group M; plus strand). Cytogenetic location: 14q21.2.
Variant type: single nucleotide variant.
Coding change: c.5291C>T on transcript NM_020937.4 (MANE Select); coding-DNA position 5291, C replaced by T.
Protein change: p.Thr1764Ile; replaces threonine 1764 with isoleucine.
Molecular consequence: missense variant.
Genome position (GRCh38, 1-based): chr14:45,189,313, C>T. VCF-style: chr14-45189313-C-T. GRCh37 (hg19) VCF-style: chr14-45658516-C-T.
Other names: c.5213C>T, p.Thr1738Ile (NM_001308133.2); c.5291C>T (NM_020937.2); short protein forms T1738I, T1764I.
Identifiers: ClinVar variation 1000121 (VCV001000121.7), dbSNP rs1889619711, ClinGen allele CA389613225.

ClinVar aggregate classification (germline): Uncertain significance. Review status: criteria provided, multiple submitters, no conflicts (2 of 4 stars). 2 submissions from 2 submitters: Uncertain significance (2). Last evaluated 2025-10-27.

Conditions:
Fanconi anemia (FA). Also called: Fanconi's anemia. Identifiers: Orphanet 84, MedGen C0015625, MeSH D005199, MONDO:0019391.

Allele frequency attached by ClinVar (database versions not stated): gnomAD exomes below 0.00001; TOPMed below 0.00001.
gnomAD v4.1: 6 of 1,613,918 alleles (0.00037%); highest among the groups gnomAD compares: Non-Finnish European, 0.00042%; no homozygotes.

Submissions (2):

Labcorp Genetics (formerly Invitae), Labcorp
Classification: Uncertain significance for Fanconi anemia. Last evaluated: 2025-10-27. Review status: criteria provided, single submitter. Criteria: Invitae Variant Classification Sherloc (09022015). Collection method: clinical testing. Allele origin: germline.
Comment: This sequence change replaces threonine, which is neutral and polar, with isoleucine, which is neutral and non-polar, at codon 1764 of the FANCM protein (p.Thr1764Ile). This variant is not present in population databases (gnomAD no frequency). This variant has not been reported in the literature in individuals affected with FANCM-related conditions. ClinVar contains an entry for this variant (Variation ID: 1000121). An algorithm developed to predict the effect of missense changes on protein structure and function outputs the following: PolyPhen-2: "Benign". The isoleucine amino acid residue is found in multiple mammalian species, which suggests that this missense change does not adversely affect protein function. In summary, the available evidence is currently insufficient to determine the role of this variant in disease. Therefore, it has been classified as a Variant of Uncertain Significance.

GeneDx
Classification: Uncertain significance. Last evaluated: 2024-01-23. Review status: criteria provided, single submitter. Criteria: GeneDx Variant Classification Process June 2021. Collection method: clinical testing. Allele origin: germline. Affected: yes.
Comment: Not observed at significant frequency in large population cohorts (gnomAD); In silico analysis supports that this missense variant does not alter protein structure/function; Has not been previously published as pathogenic or benign to our knowledge